The following is an entry in ClinVar:

NM_032634.4(PIGO):c.655+4A>T

Gene: PIGO (phosphatidylinositol glycan anchor biosynthesis class O; minus strand). Cytogenetic location: 9p13.3.
Variant type: single nucleotide variant.
Coding change: c.655+4A>T on transcript NM_032634.4 (MANE Select); 4 bases into the intron after coding-DNA position 655, A replaced by T.
Molecular consequence: intron variant.
Genome position (GRCh38, 1-based): chr9:35,094,212, T>A on the plus strand (A>T on the coding strand, the complement: PIGO is on the minus strand). VCF-style: chr9-35094212-T-A. GRCh37 (hg19) VCF-style: chr9-35094209-T-A.
Other names: c.655+4A>T (NM_001201484.2, NM_152850.4).
Identifiers: ClinVar variation 2129933 (VCV002129933.4), dbSNP rs2490469550, ClinGen allele CA2580080453.

ClinVar aggregate classification (germline): Uncertain significance (1 of 4 stars; one submission).

Conditions:
Hyperphosphatasia with impaired intellectual development syndrome 2. Also called: Hyperphosphatasia with intellectual disability syndrome 2; GLYCOSYLPHOSPHATIDYLINOSITOL BIOSYNTHESIS DEFECT 6. Identifiers: Orphanet 247262, MedGen C3553637, MONDO:0013882, OMIM 614749.

Submission:

Labcorp Genetics (formerly Invitae), Labcorp
Classification: Uncertain significance for Hyperphosphatasia with impaired intellectual development syndrome 2. Last evaluated: 2022-04-24. Review status: criteria provided, single submitter. Criteria: Invitae Variant Classification Sherloc (09022015). Collection method: clinical testing. Allele origin: germline.
Comment: In summary, the available evidence is currently insufficient to determine the role of this variant in disease. Therefore, it has been classified as a Variant of Uncertain Significance. Variants that disrupt the consensus splice site are a relatively common cause of aberrant splicing (PMID: 17576681, 9536098). Algorithms developed to predict the effect of sequence changes on RNA splicing suggest that this variant may disrupt the consensus splice site. This variant has not been reported in the literature in individuals affected with PIGO-related conditions. This variant is not present in population databases (gnomAD no frequency). This sequence change falls in intron 3 of the PIGO gene. It does not directly change the encoded amino acid sequence of the PIGO protein. It affects a nucleotide within the consensus splice site.

Literature cited by the submitters: PubMed 17576681; PubMed 9536098.